The following is an entry in ClinVar:

ClinVar aggregate classification (germline): Likely pathogenic (1 of 4 stars; one submission).

Submission:

Labcorp Genetics (formerly Invitae), Labcorp
Classification: Likely pathogenic. Last evaluated: 2024-05-04. Review status: criteria provided, single submitter. Criteria: Invitae Variant Classification Sherloc (09022015). Collection method: clinical testing. Allele origin: germline.
Comment: This sequence change replaces aspartic acid, which is acidic and polar, with glycine, which is neutral and non-polar, at codon 105 of the SFTPC protein (p.Asp105Gly). This variant is not present in population databases (gnomAD no frequency). This missense change has been observed in individual(s) with childhood interstitial lung disease (PMID: 31462320; Invitae). An algorithm developed to predict the effect of missense changes on protein structure and function (PolyPhen-2) suggests that this variant is likely to be disruptive. Experimental studies have shown that this missense change affects SFTPC function (PMID: 31462320). This variant disrupts the p.Asp105 amino acid residue in SFTPC. Other variant(s) that disrupt this residue have been determined to be pathogenic (Invitae). This suggests that this residue is clinically significant, and that variants that disrupt this residue are likely to be disease-causing. In summary, the currently available evidence indicates that the variant is pathogenic, but additional data are needed to prove that conclusively. Therefore, this variant has been classified as Likely Pathogenic.

Literature cited by the submitters: PubMed 31462320.

NM_001317778.2(SFTPC):c.314A>G (p.Asp105Gly)

Gene: SFTPC (surfactant protein C; plus strand). Cytogenetic location: 8p21.3.
Variant type: single nucleotide variant.
Coding change: c.314A>G on transcript NM_001317778.2 (MANE Select); coding-DNA position 314, A replaced by G.
Protein change: p.Asp105Gly; replaces aspartic acid 105 with glycine.
Molecular consequence: missense variant.
Genome position (GRCh38, 1-based): chr8:22,163,192, A>G. VCF-style: chr8-22163192-A-G. GRCh37 (hg19) VCF-style: chr8-22020705-A-G.
Other names: c.314A>G, p.Asp105Gly (NM_001385657.1, NM_001385658.1, NM_001385659.1 and 8 more transcripts); c.155A>G, p.Asp52Gly (NM_001385660.1, NM_001317779.2); short protein forms D52G, D105G.
Identifiers: ClinVar variation 3720805 (VCV003720805.2).